The following is an entry in ClinVar:

NM_000368.5(TSC1):c.147C>G (p.Tyr49Ter)

Gene: TSC1 (TSC complex subunit 1; minus strand). Cytogenetic location: 9q34.13.
Variant type: single nucleotide variant.
Coding change: c.147C>G on transcript NM_000368.5 (MANE Select); coding-DNA position 147, C replaced by G.
Protein change: p.Tyr49Ter; replaces tyrosine 49 with a stop codon.
Molecular consequence: nonsense. On other transcripts: intron variant (1).
Genome position (GRCh38, 1-based): chr9:132,927,264, G>C on the plus strand (C>G on the coding strand, the complement: TSC1 is on the minus strand). VCF-style: chr9-132927264-G-C. GRCh37 (hg19) VCF-style: chr9-135802651-G-C.
Other names: c.147C>G, p.Tyr49Ter (NM_001162426.2, NM_001162427.2); c.-154+1503C>G (NM_001362177.2); short protein forms Y49*.
Identifiers: ClinVar variation 1363358 (VCV001363358.6), dbSNP rs2132268804, ClinGen allele CA375375153.

ClinVar aggregate classification (germline): Pathogenic (1 of 4 stars; one submission).

Conditions:
Tuberous sclerosis 1 (TSC1). Identifiers: Orphanet 805, MedGen C1854465, MONDO:0008612, OMIM 191100.

Submission:

Labcorp Genetics (formerly Invitae), Labcorp
Classification: Pathogenic for Tuberous sclerosis 1. Last evaluated: 2025-02-03. Review status: criteria provided, single submitter. Criteria: Invitae Variant Classification Sherloc (09022015). Collection method: clinical testing. Allele origin: germline.
Comment: This sequence change creates a premature translational stop signal (p.Tyr49*) in the TSC1 gene. It is expected to result in an absent or disrupted protein product. Loss-of-function variants in TSC1 are known to be pathogenic (PMID: 10227394, 17304050). This variant is not present in population databases (gnomAD no frequency). This variant has not been reported in the literature in individuals affected with TSC1-related conditions. ClinVar contains an entry for this variant (Variation ID: 1363358). For these reasons, this variant has been classified as Pathogenic.

Literature cited by the submitters: PubMed 10227394; PubMed 17304050.